The following is an entry in ClinVar:

ClinVar aggregate classification (germline): Conflicting classifications of pathogenicity. Review status: criteria provided, conflicting classifications (1 of 4 stars). 5 submissions from 5 submitters: Uncertain significance (4); Likely benign (1). Last evaluated 2025-09-01.

Conditions:
Familial thoracic aortic aneurysm and aortic dissection (TAAD). Also called: Thoracic aortic aneurysms and dissections. Identifiers: Orphanet 91387, MedGen C4707243, MONDO:0019625.
Aortic aneurysm, familial thoracic 4 (AAT4). Also called: AORTIC ANEURYSM/AORTIC DISSECTION AND PATENT DUCTUS ARTERIOSUS. Identifiers: MedGen C1851504, MONDO:0007568, OMIM 132900.

Allele frequency attached by ClinVar (database versions not stated): gnomAD 0.00001; gnomAD exomes 0.00001 and 0.00002; TOPMed 0.00001; ExAC 0.00002.
gnomAD v4.1: 26 of 1,613,960 alleles (0.0016%); highest among the groups gnomAD compares: South Asian, 0.014%; 1 homozygote.

Submissions (5):

Labcorp Genetics (formerly Invitae), Labcorp
Classification: Likely benign for Aortic aneurysm, familial thoracic 4. Last evaluated: 2025-09-01. Review status: criteria provided, single submitter. Criteria: Invitae Variant Classification Sherloc (09022015). Collection method: clinical testing. Allele origin: germline.

GeneDx
Classification: Uncertain significance. Last evaluated: 2025-03-13. Review status: criteria provided, single submitter. Criteria: GeneDx Variant Classification Process June 2021. Collection method: clinical testing. Allele origin: germline. Affected: yes.
Comment: In silico analysis supports that this missense variant has a deleterious effect on protein structure/function; Has not been previously published as pathogenic or benign to our knowledge

All of Us Research Program, National Institutes of Health
Classification: Uncertain significance for Familial thoracic aortic aneurysm and aortic dissection. Last evaluated: 2024-06-11. Review status: criteria provided, single submitter. Criteria: ACMG Guidelines, 2015. Collection method: clinical testing. Allele origin: germline. Inheritance: Autosomal dominant inheritance. Observed: 2 variant alleles, 2 heterozygotes.
Comment: This missense variant replaces glutamic acid with lysine at codon 1561 of the MYH11 protein. Computational prediction is inconclusive regarding the impact of this variant on protein structure and function (internally defined REVEL score threshold 0.5 < inconclusive < 0.7, PMID: 27666373). To our knowledge, functional studies have not been reported for this variant. This variant has not been reported in individuals affected with cardiovascular disorders in the literature. This variant has been identified in 6/282876 chromosomes in the general population by the Genome Aggregation Database (gnomAD). The available evidence is insufficient to determine the role of this variant in disease conclusively. Therefore, this variant is classified as a Variant of Uncertain Significance.

This study involves interpretation of variants in research participants for the purpose of population health screening. Participant phenotype was not available at the time of variant classification. Additional details can be found in publication PMID: 35346344, PMCID: PMC8962531

Color Diagnostics, LLC DBA Color Health
Classification: Uncertain significance for Familial thoracic aortic aneurysm and aortic dissection. Last evaluated: 2023-10-19. Review status: criteria provided, single submitter. Criteria: ACMG Guidelines, 2015. Collection method: clinical testing. Allele origin: germline.
Comment: This missense variant replaces glutamic acid with lysine at codon 1561 of the MYH11 protein. Computational prediction is inconclusive regarding the impact of this variant on protein structure and function (internally defined REVEL score threshold 0.5 < inconclusive < 0.7, PMID: 27666373). To our knowledge, functional studies have not been reported for this variant. This variant has not been reported in individuals affected with MYH11-related disorders in the literature. This variant has been identified in 6/282876 chromosomes in the general population by the Genome Aggregation Database (gnomAD). The available evidence is insufficient to determine the role of this variant in disease conclusively. Therefore, this variant is classified as a Variant of Uncertain Significance.

Illumina Laboratory Services, Illumina
Classification: Uncertain significance for Aortic aneurysm, familial thoracic 4. Last evaluated: 2018-01-12. Review status: criteria provided, single submitter. Criteria: ICSL Variant Classification Criteria 13 December 2019. Collection method: clinical testing. Allele origin: germline.

NM_002474.3(MYH11):c.4660G>A (p.Glu1554Lys)

Genes: MYH11 (myosin heavy chain 11; minus strand), NDE1 (nudE neurodevelopment protein 1; plus strand). Cytogenetic location: 16p13.11.
Variant type: single nucleotide variant.
Coding change: c.4660G>A on transcript NM_002474.3 (MANE Select); coding-DNA position 4660, G replaced by A.
Protein change: p.Glu1554Lys; replaces glutamic acid 1554 with lysine.
Molecular consequence: missense variant. On other transcripts: intron variant (2).
Genome position (GRCh38, 1-based): chr16:15,720,970, C>T on the plus strand (G>A on the coding strand, the complement: MYH11 is on the minus strand). VCF-style: chr16-15720970-C-T. GRCh37 (hg19) VCF-style: chr16-15814827-C-T.
Other names: c.4681G>A, p.Glu1561Lys (NM_001040113.2, NM_001040114.2); c.4660G>A, p.Glu1554Lys (NM_022844.3); c.948-3221C>T (NM_001143979.2, NM_017668.3); short protein forms E1554K, E1561K.
Identifiers: ClinVar variation 861512 (VCV000861512.20), dbSNP rs372598970, ClinGen allele CA7921594.